The following is an entry in ClinVar:

NM_017950.4(CCDC40):c.3358C>T (p.Gln1120Ter)

Gene: CCDC40 (coiled-coil domain 40 molecular ruler complex subunit; plus strand). Cytogenetic location: 17q25.3.
Variant type: single nucleotide variant.
Coding change: c.3358C>T on transcript NM_017950.4 (MANE Select); coding-DNA position 3358, C replaced by T.
Protein change: p.Gln1120Ter; replaces glutamine 1120 with a stop codon.
Molecular consequence: nonsense.
Genome position (GRCh38, 1-based): chr17:80,099,704, C>T. VCF-style: chr17-80099704-C-T. GRCh37 (hg19) VCF-style: chr17-78073503-C-T.
Other names: short protein forms Q1120*.
Identifiers: ClinVar variation 1344605 (VCV001344605.6), dbSNP rs2143789412, ClinGen allele CA401358123.

ClinVar aggregate classification (germline): Pathogenic. Review status: criteria provided, single submitter (1 of 4 stars). 2 submissions from 2 submitters: Pathogenic (1). 1 of the submissions does not count toward it. Last evaluated 2022-06-23.

Conditions:
Primary ciliary dyskinesia. Also called: Ciliary dyskinesia. Identifiers: Orphanet 244, MedGen C0008780, MONDO:0016575, HP:0012265.

Allele frequency attached by ClinVar (database versions not stated): gnomAD exomes below 0.00001.
gnomAD v4.1: 1 of 1,613,888 alleles (0.000062%); highest among the groups gnomAD compares: Non-Finnish European, 0.000085%; no homozygotes.

Submissions (2):

Labcorp Genetics (formerly Invitae), Labcorp
Classification: Pathogenic for Primary ciliary dyskinesia. Last evaluated: 2022-06-23. Review status: criteria provided, single submitter. Criteria: Invitae Variant Classification Sherloc (09022015). Collection method: clinical testing. Allele origin: germline.
Comment: For these reasons, this variant has been classified as Pathogenic. This premature translational stop signal has been observed in individual(s) with CCDC40-related conditions (PMID: 30067075; Invitae). In at least one individual the data is consistent with being in trans (on the opposite chromosome) from a pathogenic variant. This variant is not present in population databases (gnomAD no frequency). This sequence change creates a premature translational stop signal (p.Gln1120*) in the CCDC40 gene. While this is not anticipated to result in nonsense mediated decay, it is expected to disrupt the last 23 amino acid(s) of the CCDC40 protein.

Yale Center for Mendelian Genomics, Yale University
Classification: Likely pathogenic for Primary ciliary dyskinesia. Last evaluated: 2018-08-01. Review status: no assertion criteria provided. Collection method: literature only. Allele origin: germline. Affected: yes. Observed: 3 compound heterozygotes. Study: Yale Center for Mendelian Genomics. Not counted in ClinVar's aggregate classification.

Literature cited by the submitters: PubMed 30067075 (cited by Labcorp Genetics (formerly Invitae), Labcorp and Yale Center for Mendelian Genomics, Yale University).